The following is an entry in ClinVar:

NM_022489.4(INF2):c.3476G>A (p.Arg1159His)

Gene: INF2 (inverted formin 2; plus strand). Cytogenetic location: 14q32.33.
Variant type: single nucleotide variant.
Coding change: c.3476G>A on transcript NM_022489.4 (MANE Select); coding-DNA position 3476, G replaced by A.
Protein change: p.Arg1159His; replaces arginine 1159 with histidine.
Molecular consequence: missense variant.
Genome position (GRCh38, 1-based): chr14:104,714,638, G>A. VCF-style: chr14-104714638-G-A. GRCh37 (hg19) VCF-style: chr14-105180975-G-A.
Other names: p.Arg1159His; c.3476G>A, p.Arg1159His (NM_001031714.4); short protein forms R1159H.
Identifiers: ClinVar variation 390764 (VCV000390764.15), dbSNP rs200591522, ClinGen allele CA7373273.
Genomic context (GRCh38, chr14:104,714,638, plus strand): 5'-GCGTCCTCCAGGCCGAGGCCGACAGCACAAGTGAGGGGCTGGAGGACGCTGTCCACAGCC[G>A]TGGTGCCAGACCCCCTGCAGCAGGCCCAGGTGGGGATGAGGACGAGGACGAGGAGGACAC-3'
Protein context (NP_071934.3, residues 1149-1169): SEGLEDAVHS[Arg1159His]GARPPAAGPG

ClinVar aggregate classification (germline): Conflicting classifications of pathogenicity. Review status: criteria provided, conflicting classifications (1 of 4 stars). 6 submissions from 6 submitters: Uncertain significance (1); Likely benign (5). Last evaluated 2025-11-03.

Conditions:
INF2-related disorder. Also called: INF2-related condition.
Inborn genetic diseases. Identifiers: MedGen C0950123, MeSH D030342.
Charcot-Marie-Tooth disease dominant intermediate E. Also called: CHARCOT-MARIE-TOOTH NEUROPATHY WITH FOCAL SEGMENTAL GLOMERULONEPHRITIS. Identifiers: Orphanet 93114, MedGen C4302667, MONDO:0013758, OMIM 614455.
Focal segmental glomerulosclerosis 5 (FSGS5). Identifiers: Orphanet 656, MedGen C2750475, MONDO:0013191, OMIM 613237.

Allele frequency attached by ClinVar (database versions not stated): ExAC 0.00016; ESP Exome Variant Server 0.00016; gnomAD exomes 0.00019 and 0.00020; gnomAD 0.00033; TOPMed 0.00042.
gnomAD v4.1: 335 of 1,612,468 alleles (0.021%); highest among the groups gnomAD compares: Admixed American, 0.06%; no homozygotes.

Submissions (6):

Labcorp Genetics (formerly Invitae), Labcorp
Classification: Likely benign for Charcot-Marie-Tooth disease dominant intermediate E; Focal segmental glomerulosclerosis 5. Last evaluated: 2025-11-03. Review status: criteria provided, single submitter. Criteria: Invitae Variant Classification Sherloc (09022015). Collection method: clinical testing. Allele origin: germline.

PreventionGenetics, part of Exact Sciences
Classification: Uncertain significance for INF2-related condition. Last evaluated: 2025-06-06. Review status: criteria provided, single submitter. Criteria: ACMG Guidelines, 2015. Collection method: clinical testing. Allele origin: germline.
Comment: The INF2 c.3476G>A variant is predicted to result in the amino acid substitution p.Arg1159His. To our knowledge, this variant has not been reported in the literature. This variant is reported in 0.042% of alleles in individuals of Latino descent in gnomAD. At this time, the clinical significance of this variant is uncertain due to the absence of conclusive functional and genetic evidence.

Mayo Clinic Laboratories, Mayo Clinic
Classification: Likely benign. Last evaluated: 2025-05-28. Review status: criteria provided, single submitter. Criteria: ACMG Guidelines, 2015. Collection method: clinical testing. Allele origin: germline. Observed: 4 variant alleles.
Comment: BS2, BP4

ARUP Laboratories, Molecular Genetics and Genomics, ARUP Laboratories
Classification: Likely benign. Last evaluated: 2024-12-19. Review status: criteria provided, single submitter. Criteria: ARUP Molecular Germline Variant Investigation Process 2024. Collection method: clinical testing. Allele origin: germline.

Ambry Genetics
Classification: Likely benign for Inborn genetic diseases. Last evaluated: 2021-11-29. Review status: criteria provided, single submitter. Criteria: Ambry Variant Classification Scheme 2023. Collection method: clinical testing. Allele origin: germline.

GeneDx
Classification: Likely benign. Last evaluated: 2016-11-10. Review status: criteria provided, single submitter. Criteria: GeneDx Variant Classification (06012015). Collection method: clinical testing. Allele origin: germline. Affected: yes.
Comment: This variant is considered likely benign or benign based on one or more of the following criteria: it is a conservative change, it occurs at a poorly conserved position in the protein, it is predicted to be benign by multiple in silico algorithms, and/or has population frequency not consistent with disease.